The following is an entry in ClinVar:

ClinVar aggregate classification (germline): Pathogenic. Review status: criteria provided, multiple submitters, no conflicts (2 of 4 stars). 2 submissions from 2 submitters: Pathogenic (2). Last evaluated 2025-08-11.

Conditions:
Autosomal recessive limb-girdle muscular dystrophy. Identifiers: Orphanet 102015, MedGen C2931907, MONDO:0015152.
Autosomal recessive limb-girdle muscular dystrophy type R18 (LGMDR18). Also called: Limb-girdle muscular dystrophy, type 2S; MUSCULAR DYSTROPHY, LIMB-GIRDLE, AUTOSOMAL RECESSIVE 18; Autosomal recessive limb-girdle muscular dystrophy type 2S. Identifiers: Orphanet 369840, MedGen C4517996, MONDO:0014144, OMIM 615356.

Allele frequency attached by ClinVar (database versions not stated): gnomAD exomes below 0.00001 and 0.00001.

Submissions (2):

Labcorp Genetics (formerly Invitae), Labcorp
Classification: Pathogenic for Autosomal recessive limb-girdle muscular dystrophy type R18. Last evaluated: 2025-08-11. Review status: criteria provided, single submitter. Criteria: Invitae Variant Classification Sherloc (09022015). Collection method: clinical testing. Allele origin: germline.
Comment: This sequence change creates a premature translational stop signal (p.Ile431*) in the TRAPPC11 gene. It is expected to result in an absent or disrupted protein product. Loss-of-function variants in TRAPPC11 are known to be pathogenic (PMID: 23830518, 26322222). This variant is present in population databases (no rsID available, gnomAD 0.003%). This variant has not been reported in the literature in individuals affected with TRAPPC11-related conditions. ClinVar contains an entry for this variant (Variation ID: 1457515). For these reasons, this variant has been classified as Pathogenic.

Women's Health and Genetics/Laboratory Corporation of America, LabCorp
Classification: Pathogenic for Autosomal recessive limb-girdle muscular dystrophy. Last evaluated: 2025-01-24. Review status: criteria provided, single submitter. Criteria: LabCorp Variant Classification Summary - May 2015. Collection method: clinical testing. Allele origin: germline.
Comment: Variant summary: TRAPPC11 c.1291_1297delATAATCA (p.Ile431X) results in a premature termination codon, predicted to cause a truncation of the encoded protein or absence of the protein due to nonsense mediated decay, which are commonly known mechanisms for disease. The variant allele was found at a frequency of 4e-06 in 250944 control chromosomes. To our knowledge, no occurrence of c.1291_1297delATAATCA in individuals affected with Limb-Girdle Muscular Dystrophy, Autosomal Recessive and no experimental evidence demonstrating its impact on protein function have been reported. ClinVar contains an entry for this variant (Variation ID: 1457515). Based on the evidence outlined above, the variant was classified as pathogenic.

Literature cited by the submitters: PubMed 23830518 (cited by Labcorp Genetics (formerly Invitae), Labcorp); PubMed 26322222 (cited by Labcorp Genetics (formerly Invitae), Labcorp).

NM_021942.6(TRAPPC11):c.1291_1297del (p.Glu430_Ile431insTer)

Gene: TRAPPC11 (trafficking protein particle complex subunit 11; plus strand). Cytogenetic location: 4q35.1.
Variant type: Deletion.
Coding change: c.1291_1297del on transcript NM_021942.6 (MANE Select); coding-DNA positions 1291 to 1297, 7 bases deleted (ATAATCA; older notation c.1291_1297delATAATCA).
Protein change: p.Glu430_Ile431insTer.
Molecular consequence: nonsense.
Genome position (GRCh38, 1-based): chr4:183,684,148-183,684,154, ATAATCA deleted. VCF-style (leftmost placement, unchanged base first): chr4-183684147-GATAATCA-G. GRCh37 (hg19) VCF-style: chr4-184605300-GATAATCA-G.
Other names: c.1291_1297delATAATCA (NM_021942.6); c.1291_1297del, p.Glu430_Ile431insTer (NM_199053.3).
Identifiers: ClinVar variation 1457515 (VCV001457515.8), dbSNP rs1414226750, ClinGen allele CA557393972.
Genomic context (GRCh38, chr4:183,684,147, plus strand): 5'-ACACTATTTAAGAAAAATATTTGTATTGAAATGTTTCACACTCTACTTTTTCTAATAGGA[GATAATCA>G]TAACTCTTCTGAGCAATGCTGTTGCACAGTTCAAGAAGTATAAGTGCCCGCGAATGAAAA-3'